The following is an entry in ClinVar:

ClinVar aggregate classification (germline): Uncertain significance (1 of 4 stars; one submission).

Conditions:
Inborn genetic diseases. Identifiers: MedGen C0950123, MeSH D030342.

Submission:

Ambry Genetics
Classification: Uncertain significance for Inborn genetic diseases. Last evaluated: 2022-08-30. Review status: criteria provided, single submitter. Criteria: Ambry Variant Classification Scheme 2023. Collection method: clinical testing. Allele origin: germline.
Comment: The p.V886M variant (also known as c.2656G>A), located in coding exon 20 of the LRRK2 gene, results from a G to A substitution at nucleotide position 2656. The valine at codon 886 is replaced by methionine, an amino acid with highly similar properties. This amino acid position is conserved. In addition, this alteration is predicted to be tolerated by in silico analysis. Since supporting evidence is limited at this time, the clinical significance of this alteration remains unclear.

NM_198578.4(LRRK2):c.2656G>A (p.Val886Met)

Gene: LRRK2 (leucine rich repeat kinase 2; plus strand). Cytogenetic location: 12q12.
Variant type: single nucleotide variant.
Coding change: c.2656G>A on transcript NM_198578.4 (MANE Select); coding-DNA position 2656, G replaced by A.
Protein change: p.Val886Met; replaces valine 886 with methionine.
Molecular consequence: missense variant.
Genome position (GRCh38, 1-based): chr12:40,287,506, G>A. VCF-style: chr12-40287506-G-A. GRCh37 (hg19) VCF-style: chr12-40681308-G-A.
Other names: short protein forms V886M.
Identifiers: ClinVar variation 1794383 (VCV001794383.2), dbSNP rs2499680447, ClinGen allele CA384409122.